The following is an entry in ClinVar:

NM_004990.4(MARS1):c.2319_2320delinsGAG (p.Pro774fs)

Gene: MARS1 (methionyl-tRNA synthetase 1; plus strand). Cytogenetic location: 12q13.3.
Variant type: Indel.
Coding change: c.2319_2320delinsGAG on transcript NM_004990.4 (MANE Select); coding-DNA positions 2319 to 2320, CC replaced by GAG.
Protein change: p.Pro774fs; shifts the reading frame from proline 774.
Molecular consequence: frameshift variant.
Genome position (GRCh38, 1-based): chr12:57,515,264-57,515,265, CC replaced by GAG. VCF-style: chr12-57515264-CC-GAG. GRCh37 (hg19) VCF-style: chr12-57909047-CC-GAG.
Other names: short protein forms P774fs.
Identifiers: ClinVar variation 1800249 (VCV001800249.2), dbSNP rs2540319796, ClinGen allele CA2580086559.

ClinVar aggregate classification (germline): Uncertain significance (1 of 4 stars; one submission).

Submission:

Ambry Genetics
Classification: Uncertain significance. Last evaluated: 2020-08-14. Review status: criteria provided, single submitter. Criteria: Ambry Variant Classification Scheme 2023. Collection method: clinical testing. Allele origin: germline.
Comment: The c.2319_2320delCCinsGAG variant, located in coding exon 18 of the MARS gene, results from the deletion of two nucleotides and insertion of 3 nucleotides causing a translational frameshift with a predicted alternate stop codon (p.P774Sfs*35). This alteration is expected to result in premature protein truncation or nonsense-mediated mRNA decay. However, loss of function of MARS has not been clearly established as a mechanism of disease. Since supporting evidence is limited at this time, the clinical significance of this alteration remains unclear.